The following is an entry in ClinVar:

NM_001375524.1(TRRAP):c.11159A>G (p.Asn3720Ser)

Gene: TRRAP (transformation/transcription domain associated protein; plus strand). Cytogenetic location: 7q22.1.
Variant type: single nucleotide variant.
Coding change: c.11159A>G on transcript NM_001375524.1 (MANE Select); coding-DNA position 11159, A replaced by G.
Protein change: p.Asn3720Ser; replaces asparagine 3720 with serine.
Molecular consequence: missense variant.
Genome position (GRCh38, 1-based): chr7:99,011,357, A>G. VCF-style: chr7-99011357-A-G. GRCh37 (hg19) VCF-style: chr7-98608980-A-G.
Other names: c.11117A>G, p.Asn3706Ser (NM_001244580.2); c.11030A>G, p.Asn3677Ser (NM_003496.4); short protein forms N3677S, N3706S, N3720S.
Identifiers: ClinVar variation 4746012 (VCV004746012.1).

ClinVar aggregate classification (germline): Uncertain significance (1 of 4 stars; one submission).

Submission:

Labcorp Genetics (formerly Invitae), Labcorp
Classification: Uncertain significance. Last evaluated: 2025-03-23. Review status: criteria provided, single submitter. Criteria: Invitae Variant Classification Sherloc (09022015). Collection method: clinical testing. Allele origin: germline.
Comment: This sequence change replaces asparagine, which is neutral and polar, with serine, which is neutral and polar, at codon 3677 of the TRRAP protein (p.Asn3677Ser). This variant is not present in population databases (gnomAD no frequency). This variant has not been reported in the literature in individuals affected with TRRAP-related conditions. Invitae Evidence Modeling of protein sequence and biophysical properties (such as structural, functional, and spatial information, amino acid conservation, physicochemical variation, residue mobility, and thermodynamic stability) indicates that this missense variant is not expected to disrupt TRRAP protein function with a negative predictive value of 80%. In summary, the available evidence is currently insufficient to determine the role of this variant in disease. Therefore, it has been classified as a Variant of Uncertain Significance.